The following is an entry in ClinVar:

NM_000053.4(ATP7B):c.366G>T (p.Glu122Asp)

Gene: ATP7B (ATPase copper transporting beta; minus strand). Cytogenetic location: 13q14.3.
Variant type: single nucleotide variant.
Coding change: c.366G>T on transcript NM_000053.4 (MANE Select); coding-DNA position 366, G replaced by T.
Protein change: p.Glu122Asp; replaces glutamic acid 122 with aspartic acid.
Molecular consequence: missense variant.
Genome position (GRCh38, 1-based): chr13:51,974,854, C>A on the plus strand (G>T on the coding strand, the complement: ATP7B is on the minus strand). VCF-style: chr13-51974854-C-A. GRCh37 (hg19) VCF-style: chr13-52548990-C-A.
Other names: c.366G>T, p.Glu122Asp (NM_001406519.1, NM_001406520.1, NM_001406521.1 and 30 more transcripts); c.270G>T, p.Glu90Asp (NM_001406539.1, NM_001406543.1, NM_001406544.1 and 4 more transcripts); short protein forms E122D, E90D.
Identifiers: ClinVar variation 4758548 (VCV004758548.1).

ClinVar aggregate classification (germline): Uncertain significance (1 of 4 stars; one submission).

Conditions:
Wilson disease (WND). Also called: Wilson's disease. Identifiers: Orphanet 905, MedGen C0019202, MONDO:0010200, OMIM 277900. Disease mechanism: loss of function.

gnomAD v4.1: 42 of 1,614,112 alleles (0.0026%); highest among the groups gnomAD compares: Non-Finnish European, 0.0034%; no homozygotes.

Submission:

Color Diagnostics, LLC DBA Color Health
Classification: Uncertain significance for Wilson disease. Last evaluated: 2025-07-22. Review status: criteria provided, single submitter. Criteria: ACMG Guidelines, 2015. Collection method: clinical testing. Allele origin: germline.
Comment: This missense variant replaces glutamic acid with aspartic acid at codon 122 of the ATP7B protein. Computational prediction suggests that this variant may not impact protein structure and function. To our knowledge, functional studies have not been reported for this variant. This variant has not been reported in individuals affected with ATP7B-related disorders in the literature. This variant has been identified in 3/280828 chromosomes in the general population by the Genome Aggregation Database (gnomAD). The available evidence is insufficient to determine the role of this variant in disease conclusively. Therefore, this variant is classified as a Variant of Uncertain Significance.